The following is an entry in ClinVar:

ClinVar aggregate classification (germline): Uncertain significance (1 of 4 stars; one submission).

Submission:

GeneDx
Classification: Uncertain significance. Last evaluated: 2023-10-31. Review status: criteria provided, single submitter. Criteria: GeneDx Variant Classification Process June 2021. Collection method: clinical testing. Allele origin: germline. Affected: yes.
Comment: Not observed at significant frequency in large population cohorts (gnomAD); In silico analysis supports that this missense variant does not alter protein structure/function; Has not been previously published as pathogenic or benign to our knowledge

NM_006662.3(SRCAP):c.7667A>G (p.Gln2556Arg)

Gene: SRCAP (Snf2 related CREBBP activator protein; plus strand). Cytogenetic location: 16p11.2.
Variant type: single nucleotide variant.
Coding change: c.7667A>G on transcript NM_006662.3 (MANE Select); coding-DNA position 7667, A replaced by G.
Protein change: p.Gln2556Arg; replaces glutamine 2556 with arginine.
Molecular consequence: missense variant.
Genome position (GRCh38, 1-based): chr16:30,737,707, A>G. VCF-style: chr16-30737707-A-G. GRCh37 (hg19) VCF-style: chr16-30749028-A-G.
Other names: short protein forms Q2556R.
Identifiers: ClinVar variation 3363510 (VCV003363510.1).